The following is an entry in ClinVar:

ClinVar aggregate classification (germline): Benign. Review status: criteria provided, multiple submitters, no conflicts (2 of 4 stars). 3 submissions from 3 submitters: Benign (3). Last evaluated 2026-01-26.

Conditions:
Joubert syndrome 21 (JBTS21). Identifiers: MedGen C3810212, MONDO:0014288, OMIM 615636.

Allele frequency attached by ClinVar (database versions not stated): ExAC 0.00208; gnomAD 0.00781 and 0.00721; 1000 Genomes Project 30x 0.00812; TOPMed 0.00825; gnomAD exomes 0.00068 and 0.00175; 1000 Genomes Project 0.00759; ESP Exome Variant Server 0.00663.
gnomAD v4.1: 2,128 of 1,600,906 alleles (0.13%); highest among the groups gnomAD compares: African/African-American, 2.6%; 32 homozygotes.

Submissions (3):

Labcorp Genetics (formerly Invitae), Labcorp
Classification: Benign for Joubert syndrome 21. Last evaluated: 2026-01-26. Review status: criteria provided, single submitter. Criteria: Invitae Variant Classification Sherloc (09022015). Collection method: clinical testing. Allele origin: germline.

GeneDx
Classification: Benign. Last evaluated: 2018-02-21. Review status: criteria provided, single submitter. Criteria: GeneDx Variant Classification (06012015). Collection method: clinical testing. Allele origin: germline. Affected: yes.
Comment: This variant is considered likely benign or benign based on one or more of the following criteria: it is a conservative change, it occurs at a poorly conserved position in the protein, it is predicted to be benign by multiple in silico algorithms, and/or has population frequency not consistent with disease.

Breakthrough Genomics
Classification: Benign. Review status: criteria provided, single submitter. Criteria: ACMG Guidelines, 2015. Collection method: not provided. Allele origin: germline. Inheritance: Autosomal recessive inheritance. Affected: yes.

NM_001382391.1(CSPP1):c.3110-11A>G

Genes: ARFGEF1 (ARF guanine nucleotide exchange factor 1; minus strand), CSPP1 (centrosome and spindle pole associated protein 1; plus strand). Cytogenetic location: 8q13.2.
Variant type: single nucleotide variant.
Coding change: c.3110-11A>G on transcript NM_001382391.1 (MANE Select); 11 bases into the intron before coding-DNA position 3110, A replaced by G.
Molecular consequence: intron variant.
Genome position (GRCh38, 1-based): chr8:67,177,669, A>G. VCF-style: chr8-67177669-A-G. GRCh37 (hg19) VCF-style: chr8-68089904-A-G.
Other names: c.2915-11A>G (NM_001363132.2); c.3029-11A>G (NM_001363131.2); c.2834-11A>G (NM_001363133.2); c.3176-11A>G (NM_001364869.1); c.3095-11A>G (NM_024790.7, NM_001438331.1); c.2942-11A>G (NM_001438330.1); c.2996-11A>G (NM_001364870.1); c.2411-11A>G (NM_001438332.1); and 3 more.
Identifiers: ClinVar variation 516532 (VCV000516532.11), dbSNP rs148930801, ClinGen allele CA4771062.